The following is an entry in ClinVar:

NM_021074.5(NDUFV2):c.664C>T (p.Arg222Cys)

Genes: NDUFV2 (NADH:ubiquinone oxidoreductase core subunit V2; plus strand), NDUFV2-AS1 (NDUFV2 antisense RNA 1; minus strand). Cytogenetic location: 18p11.22.
Variant type: single nucleotide variant.
Coding change: c.664C>T on transcript NM_021074.5 (MANE Select); coding-DNA position 664, C replaced by T.
Protein change: p.Arg222Cys; replaces arginine 222 with cysteine.
Molecular consequence: missense variant.
Genome position (GRCh38, 1-based): chr18:9,134,193, C>T. VCF-style: chr18-9134193-C-T. GRCh37 (hg19) VCF-style: chr18-9134191-C-T.
Other names: short protein forms R222C.
Identifiers: ClinVar variation 2430787 (VCV002430787.1), dbSNP rs772693645, ClinGen allele CA8887309.

ClinVar aggregate classification (germline): Uncertain significance (1 of 4 stars; one submission).

Allele frequency attached by ClinVar (database versions not stated): gnomAD exomes 0.00001; ExAC 0.00002; TOPMed 0.00002; gnomAD 0.00003.
gnomAD v4.1: 16 of 1,612,692 alleles (0.00099%); highest among the groups gnomAD compares: South Asian, 0.0033%; no homozygotes.

Submission:

GeneDx
Classification: Uncertain significance. Last evaluated: 2022-08-22. Review status: criteria provided, single submitter. Criteria: GeneDx Variant Classification Process June 2021. Collection method: clinical testing. Allele origin: germline. Affected: yes.
Comment: Not observed at significant frequency in large population cohorts (gnomAD); In silico analysis supports that this missense variant has a deleterious effect on protein structure/function; Has not been previously published as pathogenic or benign to our knowledge